The following is an entry in ClinVar:

ClinVar aggregate classification (germline): Likely pathogenic (1 of 4 stars; one submission).

Conditions:
Congenital hyperammonemia, type I. Also called: Carbamoyl phosphate synthetase 1 deficiency; Hyperammonemia due to carbamoyl phosphate synthetase 1 deficiency; CPS 1 deficiency; Carbamyl phosphate synthetase (CPS) deficiency; CPS I DEFICIENCY; Carbamoyl-phosphate synthase I deficiency. Identifiers: Orphanet 147, MedGen C4082171, MONDO:0009376, OMIM 237300.

Submission:

Myriad Genetics, Inc.
Classification: Likely pathogenic for Congenital hyperammonemia, type I. Last evaluated: 2022-03-30. Review status: criteria provided, single submitter. Criteria: Myriad Women's Health Autosomal Recessive and X-Linked Classification Criteria (2021). Collection method: clinical testing. Allele origin: unknown.
Comment: NM_001875.4(CPS1):c.2913delT(F971Lfs*6) is expected to be pathogenic in the context of carbamoylphosphate synthetase I deficiency. This variant is predicted to lead to an abnormal or absent protein product due to the creation of a premature termination codon in CPS1, a gene where loss-of-function variants are known to be pathogenic. Please note: this variant was assessed in the context of healthy population screening.

NM_001875.5(CPS1):c.2913del (p.Phe971fs)

Gene: CPS1 (carbamoyl-phosphate synthase 1; plus strand). Cytogenetic location: 2q34.
Variant type: Deletion.
Coding change: c.2913del on transcript NM_001875.5 (MANE Select); coding-DNA position 2913, one base deleted (T; older notation c.2913delT).
Protein change: p.Phe971fs; shifts the reading frame from phenylalanine 971.
Molecular consequence: frameshift variant. On other transcripts: non-coding transcript variant (2).
Genome position (GRCh38, 1-based): chr2:210,640,013, T deleted; the last of 4 consecutive T bases (chr2:210,640,010-210,640,013); deleting any one gives the same sequence. VCF-style (leftmost placement, unchanged base first): chr2-210640009-AT-A. GRCh37 (hg19) VCF-style: chr2-211504733-AT-A.
Other names: c.2913del, p.Phe971fs (NM_001122633.3, NM_001369257.1); c.2946del, p.Phe982fs (NM_001369256.1); short protein forms F971fs, F982fs.
Identifiers: ClinVar variation 1725663 (VCV001725663.2), dbSNP rs2469268629, ClinGen allele CA2580065545.
Genomic context (GRCh38, chr2:210,640,009, plus strand): 5'-TAATAACACTTAATGATTTCTGCATCTTCCTTTTCTTATTTCCTCAGGAGCATGATGTCA[AT>A]TTTGATGACCATGGAATGATGGTGCTAGGCTGTGGTCCATATCACATTGGTAAAATAATA-3'